The following is an entry in ClinVar:

ClinVar aggregate classification (germline): Pathogenic (1 of 4 stars; one submission).

Conditions:
Spondyloepiphyseal dysplasia congenita (SEDC). Also called: SED CONGENITA; SPONDYLOEPIPHYSEAL DYSPLASIA, CONGENITAL TYPE. Identifiers: Orphanet 94068, MedGen C2745959, MONDO:0008471, OMIM 183900.

Submission:

Laboratory of Inherited Metabolic Diseases, Research centre for medical genetics
Classification: Pathogenic for Spondyloepiphyseal dysplasia congenita. Last evaluated: 2021-12-04. Review status: criteria provided, single submitter. Criteria: ACMG Guidelines, 2015. Collection method: clinical testing. Allele origin: de novo. Inheritance: Autosomal dominant inheritance. Affected: yes. Observed: 1 variant allele.
Comment: Since this Gly amino acid substitution in COL2A1 localized in triple helix domain that is highly specific for type 2 collagenopathies group of diseases (PM1, PP2) and this variant is de novo (strong criterion - PS2). We decided to change clinical significance to "Pathogenic". Our updated criteria: PS2, PM1, PM2, PP2, PP3, PP4, according to ACMG it is interpreted like "Pathogenic"

NM_001844.5(COL2A1):c.2095G>T (p.Gly699Cys)

Gene: COL2A1 (collagen type II alpha 1 chain; minus strand). Cytogenetic location: 12q13.11.
Variant type: single nucleotide variant.
Coding change: c.2095G>T on transcript NM_001844.5 (MANE Select); coding-DNA position 2095, G replaced by T.
Protein change: p.Gly699Cys; replaces glycine 699 with cysteine.
Molecular consequence: missense variant.
Genome position (GRCh38, 1-based): chr12:47,982,946, C>A on the plus strand (G>T on the coding strand, the complement: COL2A1 is on the minus strand). VCF-style: chr12-47982946-C-A. GRCh37 (hg19) VCF-style: chr12-48376729-C-A.
Other names: c.1888G>T, p.Gly630Cys (NM_033150.3); short protein forms G630C, G699C.
Identifiers: ClinVar variation 1326877 (VCV001326877.2), dbSNP rs2136551691, ClinGen allele CA384547289.